The following is an entry in ClinVar:

ClinVar aggregate classification (germline): Likely pathogenic (1 of 4 stars; one submission).

Conditions:
Spermatogenic failure 65 (SPGF65). Identifiers: MedGen C5562067, MONDO:0030531, OMIM 619712.

gnomAD v4.1: 2 of 1,614,162 alleles (0.00012%); highest among the groups gnomAD compares: Middle Eastern, 0.017%; no homozygotes.

Submission:

First Genomix Gene Laboratory, Genetic Diagnostics Department
Classification: Likely pathogenic for Spermatogenic failure 65. Last evaluated: 2025-03-26. Review status: criteria provided, single submitter. Criteria: ACMG Guidelines, 2015. Collection method: clinical testing. Allele origin: germline. Inheritance: Autosomal recessive inheritance. Affected: no. Observed: 1 variant allele.

NM_144666.3(DNHD1):c.1410C>A (p.Tyr470Ter)

Gene: DNHD1 (dynein heavy chain domain 1; plus strand). Cytogenetic location: 11p15.4.
Variant type: single nucleotide variant.
Coding change: c.1410C>A on transcript NM_144666.3 (MANE Select); coding-DNA position 1410, C replaced by A.
Protein change: p.Tyr470Ter; replaces tyrosine 470 with a stop codon.
Molecular consequence: nonsense.
Genome position (GRCh38, 1-based): chr11:6,519,617, C>A. VCF-style: chr11-6519617-C-A. GRCh37 (hg19) VCF-style: chr11-6540847-C-A.
Other names: c.1410C>A, p.Tyr470Ter (NM_173589.4); short protein forms Y470*.
Identifiers: ClinVar variation 4845797 (VCV004845797.1).
Genomic context (GRCh38, chr11:6,519,617, plus strand): 5'-TCTCCATCCCCCTATCTGGTGAGTTTCCACTCTATGCTCACAGGTTCACGAGGACACATA[C>A]CACATGCAACAGTGCCTACAGGAGCGAGTACAAAACTGTGACAGGATCAGGACAGGCCAA-3'